The following is an entry in ClinVar:

NM_005245.4(FAT1):c.2563G>A (p.Gly855Arg)

Gene: FAT1 (FAT atypical cadherin 1; minus strand). Cytogenetic location: 4q35.2.
Variant type: single nucleotide variant.
Coding change: c.2563G>A on transcript NM_005245.4 (MANE Select); coding-DNA position 2563, G replaced by A.
Protein change: p.Gly855Arg; replaces glycine 855 with arginine.
Molecular consequence: missense variant.
Genome position (GRCh38, 1-based): chr4:186,707,265, C>T on the plus strand (G>A on the coding strand, the complement: FAT1 is on the minus strand). VCF-style: chr4-186707265-C-T. GRCh37 (hg19) VCF-style: chr4-187628419-C-T.
Other names: p.Gly855Arg; short protein forms G855R.
Identifiers: ClinVar variation 425343 (VCV000425343.55), dbSNP rs180820128, ClinGen allele CA3167241.

ClinVar aggregate classification (germline): Likely benign. Review status: criteria provided, multiple submitters, no conflicts (2 of 4 stars). 6 submissions from 6 submitters: Likely benign (4). 2 of the submissions do not count toward it. Last evaluated 2026-04-01.

Conditions:
FAT1-related disorder. Also called: FAT1-related condition.

Allele frequency attached by ClinVar (database versions not stated): 1000 Genomes Project 0.00080; 1000 Genomes Project 30x 0.00094; gnomAD exomes 0.00212 and 0.00240; gnomAD 0.00216; ExAC 0.00217; ESP Exome Variant Server 0.00218; TOPMed 0.00246.
gnomAD v4.1: 3,830 of 1,613,924 alleles (0.24%); highest among the groups gnomAD compares: Middle Eastern, 0.69%; 4 homozygotes.

Submissions (6):

CeGaT Center for Human Genetics Tuebingen
Classification: Likely benign. Last evaluated: 2026-04-01. Review status: criteria provided, single submitter. Criteria: CeGaT Center For Human Genetics Tuebingen Variant Classification Criteria Version 2. Collection method: clinical testing. Allele origin: germline. Affected: yes. Observed: 11 variant alleles.
Comment: FAT1: BS2

Labcorp Genetics (formerly Invitae), Labcorp
Classification: Likely benign. Last evaluated: 2026-02-02. Review status: criteria provided, single submitter. Criteria: Invitae Variant Classification Sherloc (09022015). Collection method: clinical testing. Allele origin: germline.

Mayo Clinic Laboratories, Mayo Clinic
Classification: Likely benign. Last evaluated: 2025-08-20. Review status: criteria provided, single submitter. Criteria: ACMG Guidelines, 2015. Collection method: clinical testing. Allele origin: germline. Observed: 1 variant allele.
Comment: BS1

Blueprint Genetics
Classification: Likely benign. Last evaluated: 2024-11-23. Review status: criteria provided, single submitter. Criteria: ACMG Guidelines, 2015. Collection method: clinical testing. Allele origin: germline.

PreventionGenetics, part of Exact Sciences
Classification: Likely benign for FAT1-related condition. Last evaluated: 2021-04-06. Review status: no assertion criteria provided. Collection method: clinical testing. Allele origin: germline. Not counted in ClinVar's aggregate classification.
Comment: This variant is classified as likely benign based on ACMG/AMP sequence variant interpretation guidelines (Richards et al. 2015 PMID: 25741868, with internal and published modifications).

Department of Pathology and Laboratory Medicine, Sinai Health System
Classification: Likely benign. Review status: no assertion criteria provided. Collection method: clinical testing. Allele origin: unknown. Affected: yes. Study: The Canadian Open Genetics Repository (COGR). Not counted in ClinVar's aggregate classification.
Comment: The FAT1 p.Gly855Arg variant was identified in dbSNP (ID: rs180820128), ClinVar (classified as a VUS by Praxis fuer Humangenetik Tuebingen), Cosmic (FATHMM predicted pathogenic; score=0.96) and LOVD 3.0. The variant was also identified in control databases in 584 of 277042 chromosomes (2 homozygous) at a frequency of 0.002108 increasing the likelihood this could be a low frequency benign variant (Genome Aggregation Database Feb 27, 2017). The variant was observed in the following populations: Ashkenazi Jewish in 40 of 10150 chromosomes (freq: 0.003941), Latino in 110 of 34416 chromosomes (freq: 0.003196), European (Non-Finnish) in 389 of 126576 chromosomes (freq: 0.003073), Other in 17 of 6458 chromosomes (freq: 0.002632), African in 14 of 24002 chromosomes (freq: 0.000583), European (Finnish) in 11 of 25792 chromosomes (freq: 0.000427), South Asian in 2 of 30780 chromosomes (freq: 0.000065), and East Asian in 1 of 18868 chromosomes (freq: 0.000053). This variant was identified in a South African family in a father and three sons all with characteristics of Asperger syndrome, however the variant's relationship to disease was not clear (Shaath_2013). The p.Gly855 residue is conserved across mammals and other organisms, and computational analyses (PolyPhen-2, SIFT, AlignGVGD, BLOSUM, MutationTaster) suggest that the variant may impact the protein; however, this information is not predictive enough to assume pathogenicity. The variant occurs outside of the splicing consensus sequence and in silico or computational prediction software programs (SpliceSiteFinder, MaxEntScan, NNSPLICE, GeneSplicer) do not predict a difference in splicing. In summary, based on the above information the clinical significance of this variant cannot be determined with certainty at this time although we would lean towards a more benign role for this variant. This variant is classified as likely benign.

Literature cited by the submitters: PubMed 31308072 (cited by Mayo Clinic Laboratories, Mayo Clinic); PubMed 34013115 (cited by Mayo Clinic Laboratories, Mayo Clinic).